The following is an entry in ClinVar:

ClinVar aggregate classification (germline): Uncertain significance (1 of 4 stars; one submission).

Submission:

Labcorp Genetics (formerly Invitae), Labcorp
Classification: Uncertain significance. Last evaluated: 2023-07-01. Review status: criteria provided, single submitter. Criteria: Invitae Variant Classification Sherloc (09022015). Collection method: clinical testing. Allele origin: germline.
Comment: In summary, the available evidence is currently insufficient to determine the role of this variant in disease. Therefore, it has been classified as a Variant of Uncertain Significance. Experimental studies and prediction algorithms are not available or were not evaluated, and the functional significance of this variant is currently unknown. This variant has not been reported in the literature in individuals affected with MBTPS2-related conditions. The frequency data for this variant in the population databases is considered unreliable, as metrics indicate poor data quality at this position in the gnomAD database. This variant, c.366_368del, results in the deletion of 1 amino acid(s) of the MBTPS2 protein (p.Ser136del), but otherwise preserves the integrity of the reading frame.

NM_015884.4(MBTPS2):c.363CTC[1] (p.Ser136del)

Gene: MBTPS2 (membrane bound transcription factor peptidase, site 2; plus strand). Cytogenetic location: Xp22.12.
Variant type: Microsatellite.
Coding change: c.363CTC[1] on transcript NM_015884.4 (MANE Select); one copy of the 3-base unit CTC starting at c.363; the reference has two copies in a row; one copy, 3 bases deleted.
Protein change: p.Ser136del; deletes serine 136.
Molecular consequence: inframe deletion.
Genome position (GRCh38, 1-based): chrX:21,845,312-21,845,314, CTC deleted; deleting any 3 consecutive bases within chrX:21,845,307-21,845,314 gives the same sequence; the position shown is the placement nearest the transcript's 3' end. VCF-style (leftmost placement, unchanged base first): chrX-21845306-TTCC-T. GRCh37 (hg19) VCF-style: chrX-21863424-TTCC-T.
Other names: short protein forms S136del.
Identifiers: ClinVar variation 2859302 (VCV002859302.3), dbSNP rs1461981855, ClinGen allele CA640855396.